The following is an entry in ClinVar:

ClinVar aggregate classification (germline): Uncertain significance (1 of 4 stars; one submission).

Allele frequency attached by ClinVar (database versions not stated): gnomAD exomes below 0.00001.
gnomAD v4.1: 1 of 1,614,114 alleles (0.000062%); highest among the groups gnomAD compares: Non-Finnish European, 0.000085%; no homozygotes.

Submission:

Ambry Genetics
Classification: Uncertain significance. Last evaluated: 2022-01-17. Review status: criteria provided, single submitter. Criteria: Ambry Variant Classification Scheme 2023. Collection method: clinical testing. Allele origin: germline.
Comment: The p.I349V variant (also known as c.1045A>G), located in coding exon 6 of the MYLK2 gene, results from an A to G substitution at nucleotide position 1045. The isoleucine at codon 349 is replaced by valine, an amino acid with highly similar properties. This amino acid position is conserved. In addition, this alteration is predicted to be tolerated by in silico analysis. Since supporting evidence is limited at this time, the clinical significance of this alteration remains unclear.

NM_033118.4(MYLK2):c.1045A>G (p.Ile349Val)

Gene: MYLK2 (myosin light chain kinase 2; plus strand). Cytogenetic location: 20q11.21.
Variant type: single nucleotide variant.
Coding change: c.1045A>G on transcript NM_033118.4 (MANE Select); coding-DNA position 1045, A replaced by G.
Protein change: p.Ile349Val; replaces isoleucine 349 with valine.
Molecular consequence: missense variant.
Genome position (GRCh38, 1-based): chr20:31,826,677, A>G. VCF-style: chr20-31826677-A-G. GRCh37 (hg19) VCF-style: chr20-30414480-A-G.
Other names: short protein forms I349V.
Identifiers: ClinVar variation 1775213 (VCV001775213.2), dbSNP rs527962120, ClinGen allele CA408526971.